The following is an entry in ClinVar:

NM_001378778.1(MPDZ):c.3452+2T>C

Gene: MPDZ (multiple PDZ domain crumbs cell polarity complex component; minus strand). Cytogenetic location: 9p23.
Variant type: single nucleotide variant.
Coding change: c.3452+2T>C on transcript NM_001378778.1 (MANE Select); the canonical splice donor site of the intron after coding-DNA position 3452, T replaced by C.
Molecular consequence: splice donor variant. On other transcripts: intron variant (1).
Genome position (GRCh38, 1-based): chr9:13,158,016, A>G on the plus strand (T>C on the coding strand, the complement: MPDZ is on the minus strand). VCF-style: chr9-13158016-A-G. GRCh37 (hg19) VCF-style: chr9-13158015-A-G.
Other names: c.3452+2T>C (NM_001375425.1, NM_001375420.1, NM_001375419.1 and 13 more transcripts); c.3255-7328T>C (NM_001375427.1).
Identifiers: ClinVar variation 1508676 (VCV001508676.8), dbSNP rs2133382439, ClinGen allele CA372951263.

ClinVar aggregate classification (germline): Likely pathogenic (1 of 4 stars; one submission).

Allele frequency attached by ClinVar (database versions not stated): gnomAD exomes below 0.00001.
gnomAD v4.1: 1 of 1,611,606 alleles (0.000062%); highest among the groups gnomAD compares: Non-Finnish European, 0.000085%; no homozygotes.

Submission:

Labcorp Genetics (formerly Invitae), Labcorp
Classification: Likely pathogenic. Last evaluated: 2024-10-15. Review status: criteria provided, single submitter. Criteria: Invitae Variant Classification Sherloc (09022015). Collection method: clinical testing. Allele origin: germline.
Comment: This sequence change affects a donor splice site in intron 24 of the MPDZ gene. It is expected to disrupt RNA splicing. Variants that disrupt the donor or acceptor splice site typically lead to a loss of protein function (PMID: 16199547), and loss-of-function variants in MPDZ are known to be pathogenic (PMID: 23240096, 28556411). This variant is not present in population databases (gnomAD no frequency). This variant has not been reported in the literature in individuals affected with MPDZ-related conditions. ClinVar contains an entry for this variant (Variation ID: 1508676). Algorithms developed to predict the effect of sequence changes on RNA splicing suggest that this variant may disrupt the consensus splice site. In summary, the currently available evidence indicates that the variant is pathogenic, but additional data are needed to prove that conclusively. Therefore, this variant has been classified as Likely Pathogenic.

Literature cited by the submitters: PubMed 16199547; PubMed 23240096; PubMed 28556411.